The following is an entry in ClinVar:

ClinVar aggregate classification (germline): Likely benign. Review status: criteria provided, multiple submitters, no conflicts (2 of 4 stars). 4 submissions from 4 submitters: Likely benign (4). Last evaluated 2026-01-25.

Conditions:
Hereditary cancer-predisposing syndrome. Also called: Tumor predisposition; Neoplastic Syndromes, Hereditary; Hereditary neoplastic syndrome; Hereditary Cancer Syndrome. Identifiers: Orphanet 140162, MedGen C0027672, MeSH D009386, MONDO:0015356.

Allele frequency attached by ClinVar (database versions not stated): gnomAD 0.00001 and 0.00004; gnomAD exomes 0.00003; ExAC 0.00004; TOPMed 0.00004; 1000 Genomes Project 30x 0.00016; 1000 Genomes Project 0.00020.
gnomAD v4.1: 32 of 1,531,798 alleles (0.0021%); highest among the groups gnomAD compares: African/African-American, 0.011%; no homozygotes.

Submissions (4):

Labcorp Genetics (formerly Invitae), Labcorp
Classification: Likely benign. Last evaluated: 2026-01-25. Review status: criteria provided, single submitter. Criteria: Invitae Variant Classification Sherloc (09022015). Collection method: clinical testing. Allele origin: germline.

Blueprint Genetics
Classification: Likely benign. Last evaluated: 2022-08-09. Review status: criteria provided, single submitter. Criteria: ACMG Guidelines, 2015. Collection method: clinical testing. Allele origin: germline.

Sema4
Classification: Likely benign for Hereditary cancer-predisposing syndrome. Last evaluated: 2021-04-20. Review status: criteria provided, single submitter. Criteria: Sema4 Curation Guidelines. Collection method: curation. Allele origin: germline.

GeneDx
Classification: Likely benign. Last evaluated: 2017-04-18. Review status: criteria provided, single submitter. Criteria: GeneDx Variant Classification (06012015). Collection method: clinical testing. Allele origin: germline. Affected: yes.
Comment: This variant is considered likely benign or benign based on one or more of the following criteria: it is a conservative change, it occurs at a poorly conserved position in the protein, it is predicted to be benign by multiple in silico algorithms, and/or has population frequency not consistent with disease.

NM_006231.4(POLE):c.5173+11G>A

Gene: POLE (DNA polymerase epsilon, catalytic subunit; minus strand). Cytogenetic location: 12q24.33.
Variant type: single nucleotide variant.
Coding change: c.5173+11G>A on transcript NM_006231.4 (MANE Select); 11 bases into the intron after coding-DNA position 5173, G replaced by A.
Molecular consequence: intron variant.
Genome position (GRCh38, 1-based): chr12:132,642,166, C>T on the plus strand (G>A on the coding strand, the complement: POLE is on the minus strand). VCF-style: chr12-132642166-C-T. GRCh37 (hg19) VCF-style: chr12-133218752-C-T.
Identifiers: ClinVar variation 386670 (VCV000386670.11), dbSNP rs201001062, ClinGen allele CA6892618.